The following is an entry in ClinVar:

ClinVar aggregate classification (germline): Benign/Likely benign. Review status: criteria provided, multiple submitters, no conflicts (2 of 4 stars). 13 submissions from 12 submitters: Benign (12); Likely benign (1). Last evaluated 2026-02-04.

Conditions:
Xeroderma pigmentosum, group C (XPC). Also called: Xeroderma pigmentosum, complementation group C; XPC-Related Xeroderma Pigmentosum; XERODERMA PIGMENTOSUM III; XP, GROUP C. Identifiers: Orphanet 910, MedGen C2752147, MONDO:0010211, OMIM 278720.
Xeroderma pigmentosum group A (XPA). Also called: XPA-Related Xeroderma Pigmentosum; Xeroderma pigmentosum, complementation group A; XP, group A. Identifiers: Orphanet 910, MedGen C0268135, MONDO:0010210, OMIM 278700.

Allele frequency attached by ClinVar (database versions not stated): gnomAD exomes 0.60953 and 0.63257; ExAC 0.63016; ESP Exome Variant Server 0.63534; gnomAD 0.64201 and 0.64290; TOPMed 0.64237; 1000 Genomes Project 0.67971; 1000 Genomes Project 30x 0.68270.
gnomAD v4.1: 988,025 of 1,613,516 alleles (61%); highest among the groups gnomAD compares: African/African-American, 71%; 304,401 homozygotes.

Submissions (13):

Labcorp Genetics (formerly Invitae), Labcorp
Classification: Benign. Last evaluated: 2026-02-04. Review status: criteria provided, single submitter. Criteria: Invitae Variant Classification Sherloc (09022015). Collection method: clinical testing. Allele origin: germline.

KCCC/NGS Laboratory, Kuwait Cancer Control Center
Classification: Benign for Xeroderma pigmentosum, group C. Last evaluated: 2025-02-01. Review status: criteria provided, single submitter. Criteria: ACMG Guidelines, 2015. Collection method: clinical testing. Allele origin: germline. Affected: no.

Blueprint Genetics
Classification: Likely benign. Last evaluated: 2024-11-26. Review status: criteria provided, single submitter. Criteria: ACMG Guidelines, 2015. Collection method: clinical testing. Allele origin: germline.

KCCC/NGS Laboratory, Kuwait Cancer Control Center
Classification: Benign for Xeroderma pigmentosum group A. Last evaluated: 2023-07-07. Review status: criteria provided, single submitter. Criteria: ACMG Guidelines, 2015. Collection method: clinical testing. Allele origin: germline. Affected: yes.

CeGaT Center for Human Genetics Tuebingen
Classification: Benign. Last evaluated: 2023-07-01. Review status: criteria provided, single submitter. Criteria: CeGaT Center For Human Genetics Tuebingen Variant Classification Criteria Version 2. Collection method: clinical testing. Allele origin: germline. Affected: yes. Observed: 1 variant allele.
Comment: XPC: BP4, BS1, BS2

Genome-Nilou Lab
Classification: Benign for Xeroderma pigmentosum, group C. Last evaluated: 2021-12-05. Review status: criteria provided, single submitter. Criteria: ACMG Guidelines, 2015. Collection method: clinical testing. Allele origin: germline. Affected: no.

GeneDx
Classification: Benign. Last evaluated: 2019-01-10. Review status: criteria provided, single submitter. Criteria: GeneDx Variant Classification Process June 2021. Collection method: clinical testing. Allele origin: germline. Affected: yes.
Comment: This variant is associated with the following publications: (PMID: 12177305, 19027756, 21559836, 10766188)

Illumina Laboratory Services, Illumina
Classification: Benign for Xeroderma pigmentosum, group C. Last evaluated: 2018-01-13. Review status: criteria provided, single submitter. Criteria: ICSL Variant Classification Criteria 13 December 2019. Collection method: clinical testing. Allele origin: germline.
Comment: This variant was observed in the ICSL laboratory as part of a predisposition screen in an ostensibly healthy population. It had not been previously curated by ICSL or reported in the Human Gene Mutation Database (HGMD: prior to June 1st, 2018), and was therefore a candidate for classification through an automated scoring system. Utilizing variant allele frequency, disease prevalence and penetrance estimates, and inheritance mode, an automated score was calculated to assess if this variant is too frequent to cause the disease. Based on the score and internal cut-off values, a variant classified as benign is not then subjected to further curation. The score for this variant resulted in a classification of benign for this disease.

Women's Health and Genetics/Laboratory Corporation of America, LabCorp
Classification: Benign. Last evaluated: 2017-07-19. Review status: criteria provided, single submitter. Criteria: LabCorp Variant Classification Summary - May 2015. Collection method: clinical testing. Allele origin: germline.
Comment: Variant summary: The XPC c.2251-6A>C variant involves the alteration of a non-conserved intronic nucleotide and 4/5 splice prediction tools predict no significant impact on normal splicing. This variant was found in 75910/120462 control chromosomes (24122 homozygotes) at a frequency of 0.6301572, which is approximately 446 times the estimated maximal expected allele frequency of a pathogenic XPC variant (0.0014142). The observed frequency indicate that the C allele is the major allele observed in the general population. In addition, multiple clinical diagnostic laboratories classified this variant as benign. Taken together, this variant is classified as benign.

Mayo Clinic Laboratories, Mayo Clinic
Classification: Benign. Last evaluated: 2016-03-01. Review status: criteria provided, single submitter. Criteria: ACMG Guidelines, 2015. Collection method: clinical testing. Allele origin: germline. Observed: 513 variant alleles.

Claritas Genomics
Classification: Benign. Last evaluated: 2012-06-20. Review status: criteria provided, single submitter. Criteria: ACMG Guidelines, 2007. Collection method: clinical testing. Allele origin: germline. Inheritance: Autosomal recessive inheritance.

Breakthrough Genomics
Classification: Benign. Review status: criteria provided, single submitter. Criteria: ACMG Guidelines, 2015. Collection method: not provided. Allele origin: germline. Inheritance: Autosomal recessive inheritance. Affected: yes.

PreventionGenetics, part of Exact Sciences
Classification: Benign. Review status: criteria provided, single submitter. Criteria: ACMG Guidelines, 2015. Collection method: clinical testing. Allele origin: germline.

Literature cited by the submitters: PubMed 12177305 (cited by Women's Health and Genetics/Laboratory Corporation of America, LabCorp).

NM_004628.5(XPC):c.2251-6A>C

Gene: XPC (XPC complex subunit, DNA damage recognition and repair factor; minus strand). Cytogenetic location: 3p25.1.
Variant type: single nucleotide variant.
Coding change: c.2251-6A>C on transcript NM_004628.5 (MANE Select); 6 bases into the intron before coding-DNA position 2251, A replaced by C.
Molecular consequence: intron variant.
Genome position (GRCh38, 1-based): chr3:14,148,737, T>G on the plus strand (A>C on the coding strand, the complement: XPC is on the minus strand). VCF-style: chr3-14148737-T-G. GRCh37 (hg19) VCF-style: chr3-14190237-T-G.
Other names: c.2233-6A>C (NM_001354729.2); c.1672-6A>C (NM_001354726.2); c.2005-6A>C (NM_001354730.2); c.2245-6A>C (NM_001354727.2).
Identifiers: ClinVar variation 190214 (VCV000190214.47), dbSNP rs2279017, ClinGen allele CA199618.
Genomic context (GRCh38, chr3:14,148,737, plus strand): 5'-TAGGCATCATGCTGGGCAGGAAGAGGTACACATTCCCAAACTCGTTCCGGGGCACCTGTG[T>G]CGGGTGAGCAAGTCAGCATTTGGCCAGCAGGGGAACAAGGCGGCCTGGTCCTGAGCCCTT-3'